The following is an entry in ClinVar:

ClinVar aggregate classification (germline): Uncertain significance. Review status: criteria provided, multiple submitters, no conflicts (2 of 4 stars). 2 submissions from 2 submitters: Uncertain significance (2). Last evaluated 2025-10-06.

Conditions:
Inborn genetic diseases. Identifiers: MedGen C0950123, MeSH D030342.
Baller-Gerold syndrome (BGS). Also called: CRANIOSYNOSTOSIS WITH RADIAL DEFECTS. Identifiers: Orphanet 1225, MedGen C0265308, MONDO:0009039, OMIM 218600.

gnomAD v4.1: 8 of 1,600,896 alleles (0.0005%); highest among the groups gnomAD compares: Non-Finnish European, 0.00068%; no homozygotes.

Submissions (2):

Ambry Genetics
Classification: Uncertain significance for Inborn genetic diseases. Last evaluated: 2025-10-06. Review status: criteria provided, single submitter. Criteria: Ambry Variant Classification Scheme 2023. Collection method: clinical testing. Allele origin: germline.
Comment: The p.A572T variant (also known as c.1714G>A), located in coding exon 11 of the RECQL4 gene, results from a G to A substitution at nucleotide position 1714. The alanine at codon 572 is replaced by threonine, an amino acid with similar properties. This amino acid position is conserved. In addition, the in silico prediction for this alteration is inconclusive. Based on the available evidence, the clinical significance of this variant remains unclear.

Labcorp Genetics (formerly Invitae), Labcorp
Classification: Uncertain significance for Baller-Gerold syndrome. Last evaluated: 2025-08-24. Review status: criteria provided, single submitter. Criteria: Invitae Variant Classification Sherloc (09022015). Collection method: clinical testing. Allele origin: germline.
Comment: This sequence change replaces alanine, which is neutral and non-polar, with threonine, which is neutral and polar, at codon 572 of the RECQL4 protein (p.Ala572Thr). The frequency data for this variant in the population databases is considered unreliable, as metrics indicate poor data quality at this position in the gnomAD database. This variant has not been reported in the literature in individuals affected with RECQL4-related conditions. ClinVar contains an entry for this variant (Variation ID: 963161). Invitae Evidence Modeling of protein sequence and biophysical properties (such as structural, functional, and spatial information, amino acid conservation, physicochemical variation, residue mobility, and thermodynamic stability) indicates that this missense variant is expected to disrupt RECQL4 protein function with a positive predictive value of 80%. In summary, the available evidence is currently insufficient to determine the role of this variant in disease. Therefore, it has been classified as a Variant of Uncertain Significance.

NM_004260.4(RECQL4):c.1714G>A (p.Ala572Thr)

Gene: RECQL4 (RecQ like helicase 4; minus strand). Cytogenetic location: 8q24.3.
Variant type: single nucleotide variant.
Coding change: c.1714G>A on transcript NM_004260.4 (MANE Select); coding-DNA position 1714, G replaced by A.
Protein change: p.Ala572Thr; replaces alanine 572 with threonine.
Molecular consequence: missense variant.
Genome position (GRCh38, 1-based): chr8:144,514,353, C>T on the plus strand (G>A on the coding strand, the complement: RECQL4 is on the minus strand). VCF-style: chr8-144514353-C-T. GRCh37 (hg19) VCF-style: chr8-145739737-C-T.
Other names: short protein forms A572T.
Identifiers: ClinVar variation 963161 (VCV000963161.7), dbSNP rs1189301415, ClinGen allele CA372681286.